The following is an entry in ClinVar:

ClinVar aggregate classification (germline): Likely pathogenic (1 of 4 stars; one submission).

Conditions:
Vissers-Bodmer syndrome. Identifiers: MedGen C5436647, MONDO:0033618, OMIM 619033.

Submission:

Molecular Medicine Center, Markusovszky University Teaching Hospital
Classification: Likely pathogenic for Vissers-Bodmer syndrome. Last evaluated: 2024-10-10. Review status: criteria provided, single submitter. Criteria: ACGS Best Practice Guidelines for Variant Classification in Rare Disease 2024. Collection method: clinical testing. Allele origin: germline. Inheritance: Autosomal dominant inheritance. Affected: yes. Observed: 1 heterozygote.
Comment: The NM_001265612.2: c.920delG, p.(G307Afs*32) variant is missing from the gnomAD 2.1.1 and the 1kG Phase 3 databases (PM2 moderate). It is a null variant in a gene in which LoF variants are known to cause disease (PMID: 32553196, 37818768, 38434094) (PVS1 very strong).

Literature cited by the submitters: PubMed 32553196; PubMed 37818768; PubMed 38434094; PubMed 41155467.

NM_016284.5(CNOT1):c.920del (p.Gly307fs)

Gene: CNOT1 (CCR4-NOT transcription complex subunit 1; minus strand). Cytogenetic location: 16q21.
Variant type: Deletion.
Coding change: c.920del on transcript NM_016284.5 (MANE Select); coding-DNA position 920, one base deleted (G; older notation c.920delG).
Protein change: p.Gly307fs; shifts the reading frame from glycine 307.
Molecular consequence: frameshift variant. On other transcripts: non-coding transcript variant (1).
Genome position (GRCh38, 1-based): chr16:58,583,069, C deleted on the plus strand (G on the coding strand, the reverse complement: CNOT1 is on the minus strand); the first of 2 consecutive C bases (chr16:58,583,069-58,583,070); deleting either gives the same sequence. VCF-style (leftmost placement, unchanged base first): chr16-58583068-GC-G. GRCh37 (hg19) VCF-style: chr16-58616972-GC-G.
Other names: c.920delG (NM_001265612.2); c.920del, p.Gly307fs (NM_001265612.2, NM_206999.3); short protein forms G307fs.
Identifiers: ClinVar variation 4277229 (VCV004277229.1).